The following is an entry in ClinVar:

ClinVar aggregate classification (germline): Uncertain significance (1 of 4 stars; one submission).

Allele frequency attached by ClinVar (database versions not stated): TOPMed below 0.00001; gnomAD 0.00001; gnomAD exomes 0.00001; ExAC 0.00002.
gnomAD v4.1: 11 of 1,602,156 alleles (0.00069%); highest among the groups gnomAD compares: Middle Eastern, 0.05%; no homozygotes.

Submission:

Labcorp Genetics (formerly Invitae), Labcorp
Classification: Uncertain significance. Last evaluated: 2022-07-04. Review status: criteria provided, single submitter. Criteria: Invitae Variant Classification Sherloc (09022015). Collection method: clinical testing. Allele origin: germline.
Comment: This sequence change replaces phenylalanine, which is neutral and non-polar, with tyrosine, which is neutral and polar, at codon 117 of the AHR protein (p.Phe117Tyr). This variant is present in population databases (rs768620242, gnomAD 0.01%). This variant has not been reported in the literature in individuals affected with AHR-related conditions. Algorithms developed to predict the effect of missense changes on protein structure and function are either unavailable or do not agree on the potential impact of this missense change (SIFT: "Deleterious"; PolyPhen-2: "Possibly Damaging"; Align-GVGD: "Class C0"). In summary, the available evidence is currently insufficient to determine the role of this variant in disease. Therefore, it has been classified as a Variant of Uncertain Significance.

NM_001621.5(AHR):c.350T>A (p.Phe117Tyr)

Gene: AHR (aryl hydrocarbon receptor; plus strand). Cytogenetic location: 7p21.1.
Variant type: single nucleotide variant.
Coding change: c.350T>A on transcript NM_001621.5 (MANE Select); coding-DNA position 350, T replaced by A.
Protein change: p.Phe117Tyr; replaces phenylalanine 117 with tyrosine.
Molecular consequence: missense variant.
Genome position (GRCh38, 1-based): chr7:17,322,597, T>A. VCF-style: chr7-17322597-T-A. GRCh37 (hg19) VCF-style: chr7-17362221-T-A.
Other names: short protein forms F117Y.
Identifiers: ClinVar variation 1932221 (VCV001932221.2), dbSNP rs768620242, ClinGen allele CA4171794.